The following is an entry in ClinVar:

NM_016599.5(MYOZ2):c.79G>A (p.Val27Ile)

Gene: MYOZ2 (myozenin 2; plus strand). Cytogenetic location: 4q26.
Variant type: single nucleotide variant.
Coding change: c.79G>A on transcript NM_016599.5 (MANE Select); coding-DNA position 79, G replaced by A.
Protein change: p.Val27Ile; replaces valine 27 with isoleucine.
Molecular consequence: missense variant.
Genome position (GRCh38, 1-based): chr4:119,150,874, G>A. VCF-style: chr4-119150874-G-A. GRCh37 (hg19) VCF-style: chr4-120072029-G-A.
Other names: short protein forms V27I.
Identifiers: ClinVar variation 3916668 (VCV003916668.1).

ClinVar aggregate classification (germline): Uncertain significance (1 of 4 stars; one submission).

Conditions:
Cardiovascular phenotype. Identifiers: MedGen CN230736.

gnomAD v4.1: 4 of 1,613,474 alleles (0.00025%); highest among the groups gnomAD compares: Non-Finnish European, 0.00025%; no homozygotes.

Submission:

Ambry Genetics
Classification: Uncertain significance for Cardiovascular phenotype. Last evaluated: 2025-06-01. Review status: criteria provided, single submitter. Criteria: Ambry Variant Classification Scheme 2023. Collection method: clinical testing. Allele origin: germline.
Comment: The p.V27I variant (also known as c.79G>A), located in coding exon 2 of the MYOZ2 gene, results from a G to A substitution at nucleotide position 79. The valine at codon 27 is replaced by isoleucine, an amino acid with highly similar properties. This amino acid position is conserved. In addition, this alteration is predicted to be tolerated by in silico analysis. Based on the available evidence, the clinical significance of this variant remains unclear.